The following is an entry in ClinVar:

NM_006445.4(PRPF8):c.1741A>C (p.Ile581Leu)

Gene: PRPF8 (pre-mRNA processing factor 8; minus strand). Cytogenetic location: 17p13.3.
Variant type: single nucleotide variant.
Coding change: c.1741A>C on transcript NM_006445.4 (MANE Select); coding-DNA position 1741, A replaced by C.
Protein change: p.Ile581Leu; replaces isoleucine 581 with leucine.
Molecular consequence: missense variant.
Genome position (GRCh38, 1-based): chr17:1,678,631, T>G on the plus strand (A>C on the coding strand, the complement: PRPF8 is on the minus strand). VCF-style: chr17-1678631-T-G. GRCh37 (hg19) VCF-style: chr17-1581925-T-G.
Other names: short protein forms I581L.
Identifiers: ClinVar variation 2809086 (VCV002809086.3), dbSNP rs771225175, ClinGen allele CA8272260.

ClinVar aggregate classification (germline): Uncertain significance (1 of 4 stars; one submission).

Allele frequency attached by ClinVar (database versions not stated): ExAC 0.00001; gnomAD 0.00001; TOPMed 0.00001.
gnomAD v4.1: 2 of 1,614,112 alleles (0.00012%); highest among the groups gnomAD compares: African/African-American, 0.0027%; no homozygotes.

Submission:

Labcorp Genetics (formerly Invitae), Labcorp
Classification: Uncertain significance. Last evaluated: 2023-04-24. Review status: criteria provided, single submitter. Criteria: Invitae Variant Classification Sherloc (09022015). Collection method: clinical testing. Allele origin: germline.
Comment: This variant has not been reported in the literature in individuals affected with PRPF8-related conditions. This variant is present in population databases (rs771225175, gnomAD 0.008%). This sequence change replaces isoleucine, which is neutral and non-polar, with leucine, which is neutral and non-polar, at codon 581 of the PRPF8 protein (p.Ile581Leu). In summary, the available evidence is currently insufficient to determine the role of this variant in disease. Therefore, it has been classified as a Variant of Uncertain Significance. Advanced modeling of protein sequence and biophysical properties (such as structural, functional, and spatial information, amino acid conservation, physicochemical variation, residue mobility, and thermodynamic stability) performed at Invitae indicates that this missense variant is not expected to disrupt PRPF8 protein function.